The following is an entry in ClinVar:

NM_003097.6(SNRPN):c.679A>G (p.Ile227Val)

Genes: SNHG14 (small nucleolar RNA host gene 14; plus strand), SNRPN (small nuclear ribonucleoprotein polypeptide N; plus strand), SNURF (SNRPN upstream open reading frame; plus strand). Cytogenetic location: 15q11.2.
Variant type: single nucleotide variant.
Coding change: c.679A>G on transcript NM_003097.6 (MANE Select); coding-DNA position 679, A replaced by G.
Protein change: p.Ile227Val; replaces isoleucine 227 with valine.
Molecular consequence: missense variant. On other transcripts: 3 prime UTR variant (1), non-coding transcript variant (1).
Genome position (GRCh38, 1-based): chr15:24,978,312, A>G. VCF-style: chr15-24978312-A-G. GRCh37 (hg19) VCF-style: chr15-25223459-A-G.
Other names: c.679A>G, p.Ile227Val (NM_001400730.1, NM_001400731.1, NM_001400732.1 and 99 more transcripts); c.655A>G, p.Ile219Val (NM_001378257.1, NM_001400767.1, NM_001378256.1); c.415A>G, p.Ile139Val (NM_001400768.1); c.*867A>G (NM_005678.5); c.691A>G, p.Ile231Val (NM_001378251.1, NM_001378252.1, NM_001378253.1 and 2 more transcripts); short protein forms I139V, I219V, I227V, I231V.
Identifiers: ClinVar variation 4076937 (VCV004076937.1).
Genomic context (GRCh38, chr15:24,978,312, plus strand): 5'-CCTGCTCGAGGGACGCCAATAGGCATGCCGCCTCCGGGAATGAGACCCCCTCCACCAGGC[A>G]TTAGAGGTGAGTGGGAGCATAGGGGTTTGATGGTTCAGCCAGGCCCCTGAATATGTGTAT-3'
Protein context (NP_003088.1, residues 217-237): PPGMRPPPPG[Ile227Val]RGPPPPGMRP

ClinVar aggregate classification (germline): Uncertain significance (1 of 4 stars; one submission).

gnomAD v4.1: 1 of 1,614,126 alleles (0.000062%); highest among the groups gnomAD compares: Non-Finnish European, 0.000085%; no homozygotes.

Submission:

GeneDx
Classification: Uncertain significance. Last evaluated: 2025-02-22. Review status: criteria provided, single submitter. Criteria: GeneDx Variant Classification Process June 2021. Collection method: clinical testing. Allele origin: germline. Affected: yes.
Comment: Not observed at significant frequency in large population cohorts (gnomAD); In silico analysis indicates that this missense variant does not alter protein structure/function; Has not been previously published as pathogenic or benign to our knowledge